The following is an entry in ClinVar:

ClinVar aggregate classification (germline): Likely benign (0 of 4 stars; one submission).

Conditions:
HSD3B7-related disorder. Also called: HSD3B7-related condition.

Allele frequency attached by ClinVar (database versions not stated): ExAC 0.00001.
gnomAD v4.1: 1 of 1,613,320 alleles (0.000062%); highest among the groups gnomAD compares: Non-Finnish European, 0.000085%; no homozygotes.

Submission:

PreventionGenetics, part of Exact Sciences
Classification: Likely benign for HSD3B7-related condition. Last evaluated: 2024-02-12. Review status: no assertion criteria provided. Collection method: clinical testing. Allele origin: germline.
Comment: This variant is classified as likely benign based on ACMG/AMP sequence variant interpretation guidelines (Richards et al. 2015 PMID: 25741868, with internal and published modifications).

NM_025193.4(HSD3B7):c.186C>A (p.Ala62=)

Gene: HSD3B7 (hydroxy-delta-5-steroid dehydrogenase, 3 beta- and steroid delta-isomerase 7; plus strand). Cytogenetic location: 16p11.2.
Variant type: single nucleotide variant.
Coding change: c.186C>A on transcript NM_025193.4 (MANE Select); coding-DNA position 186, C replaced by A.
Protein change: p.Ala62=; no amino-acid change (alanine 62 retained).
Molecular consequence: synonymous variant.
Genome position (GRCh38, 1-based): chr16:30,986,068, C>A. VCF-style: chr16-30986068-C-A. GRCh37 (hg19) VCF-style: chr16-30997389-C-A.
Other names: c.186C>A, p.Ala62= (NM_001142777.2, NM_001142778.2).
Identifiers: ClinVar variation 3061132 (VCV003061132.2), dbSNP rs773442552, ClinGen allele CA8017917.